The following is an entry in ClinVar:

NM_147686.4(TRAF3IP2):c.1636G>A (p.Glu546Lys)

Genes: TRAF3IP2 (TRAF3 interacting protein 2; minus strand), TRAF3IP2-AS1 (TRAF3IP2 antisense RNA 1; plus strand). Cytogenetic location: 6q21.
Variant type: single nucleotide variant.
Coding change: c.1636G>A on transcript NM_147686.4 (MANE Select); coding-DNA position 1636, G replaced by A.
Protein change: p.Glu546Lys; replaces glutamic acid 546 with lysine.
Molecular consequence: missense variant.
Genome position (GRCh38, 1-based): chr6:111,559,467, C>T on the plus strand (G>A on the coding strand, the complement: TRAF3IP2 is on the minus strand). VCF-style: chr6-111559467-C-T. GRCh37 (hg19) VCF-style: chr6-111880670-C-T.
Other names: c.1633G>A, p.Glu545Lys (NM_001164281.3); c.268G>A, p.Glu90Lys (NM_001164283.3); c.1663G>A, p.Glu555Lys (NM_147200.3); short protein forms E546K, E545K, E555K, E90K.
Identifiers: ClinVar variation 2154697 (VCV002154697.4), dbSNP rs2536087448, ClinGen allele CA365366863.
Genomic context (GRCh38, chr6:111,559,467, plus strand): 5'-ACAAGGGAACCACCTGAAGGGTGGGCAGAGGCCCCCGTGGAGGAGCCACATACTCTTCCT[C>T]TCTCAGCAGCCGCAGCAGGATGTTTTTTTTATTCTTGGGCCAGCTGTAGACATGAGTGTT-3'
Protein context (NP_679211.2, residues 536-556): KKNILLRLLR[Glu546Lys]EEYVAPPRGP

ClinVar aggregate classification (germline): Uncertain significance (1 of 4 stars; one submission).

Conditions:
Candidiasis, familial, 8 (CANDF8). Identifiers: Orphanet 1334, MedGen C3714992, MONDO:0014230, OMIM 615527.

gnomAD v4.1: 4 of 1,614,118 alleles (0.00025%); highest among the groups gnomAD compares: Non-Finnish European, 0.00034%; no homozygotes.

Submission:

Labcorp Genetics (formerly Invitae), Labcorp
Classification: Uncertain significance for Candidiasis, familial, 8. Last evaluated: 2022-04-21. Review status: criteria provided, single submitter. Criteria: Invitae Variant Classification Sherloc (09022015). Collection method: clinical testing. Allele origin: germline.
Comment: This sequence change replaces glutamic acid, which is acidic and polar, with lysine, which is basic and polar, at codon 546 of the TRAF3IP2 protein (p.Glu546Lys). This variant is not present in population databases (gnomAD no frequency). This variant has not been reported in the literature in individuals affected with TRAF3IP2-related conditions. Algorithms developed to predict the effect of missense changes on protein structure and function are either unavailable or do not agree on the potential impact of this missense change (SIFT: "Tolerated"; PolyPhen-2: "Probably Damaging"; Align-GVGD: "Class C0"). In summary, the available evidence is currently insufficient to determine the role of this variant in disease. Therefore, it has been classified as a Variant of Uncertain Significance.